The following is an entry in ClinVar:

ClinVar aggregate classification (germline): Uncertain significance (1 of 4 stars; one submission).

Submission:

Ambry Genetics
Classification: Uncertain significance. Last evaluated: 2024-03-02. Review status: criteria provided, single submitter. Criteria: Ambry Variant Classification Scheme 2023. Collection method: clinical testing. Allele origin: germline.
Comment: The p.G46C variant (also known as c.136G>T), located in coding exon 1 of the POLQ gene, results from a G to T substitution at nucleotide position 136. The glycine at codon 46 is replaced by cysteine, an amino acid with highly dissimilar properties. This amino acid position is conserved. In addition, this alteration is predicted to be tolerated by in silico analysis. Based on the available evidence, the clinical significance of this alteration remains unclear.

NM_199420.4(POLQ):c.136G>T (p.Gly46Cys)

Genes: POLQ (DNA polymerase theta; minus strand), LOC112872292 (Sharpr-MPRA regulatory region 30; plus strand). Cytogenetic location: 3q13.33.
Variant type: single nucleotide variant.
Coding change: c.136G>T on transcript NM_199420.4 (MANE Select); coding-DNA position 136, G replaced by T.
Protein change: p.Gly46Cys; replaces glycine 46 with cysteine.
Molecular consequence: missense variant.
Genome position (GRCh38, 1-based): chr3:121,545,742, C>A on the plus strand (G>T on the coding strand, the complement: POLQ is on the minus strand). VCF-style: chr3-121545742-C-A. GRCh37 (hg19) VCF-style: chr3-121264589-C-A.
Other names: short protein forms G46C.
Identifiers: ClinVar variation 3229830 (VCV003229830.1), dbSNP rs1177121705, ClinGen allele CA354096943.
Genomic context (GRCh38, chr3:121,545,742, plus strand): 5'-CGTTGCCCGCGGCCTCCCGGGTTCCTGGAGCACCTGCAGCTGCGGCCTTCAGGCAGCGAC[C>A]AAGGCCGGGCGGCGGGCTCAGCACGGACCCGGAGAGGAACTGGGGGCTGGCACTGCTGTC-3'
Protein context (NP_955452.3, residues 36-56): GSVLSPPPGL[Gly46Cys]RCLKAAAAGE